The following is an entry in ClinVar:

ClinVar aggregate classification (germline): Pathogenic/Likely pathogenic. Review status: criteria provided, multiple submitters, no conflicts (2 of 4 stars). 2 submissions from 2 submitters: Pathogenic (1); Likely pathogenic (1). Last evaluated 2025-10-13.

Conditions:
Hereditary cancer-predisposing syndrome. Also called: Tumor predisposition; Neoplastic Syndromes, Hereditary; Hereditary Cancer Syndrome; Hereditary neoplastic syndrome. Identifiers: Orphanet 140162, MedGen C0027672, MeSH D009386, MONDO:0015356.
Peutz-Jeghers syndrome (PJS). Also called: POLYPOSIS, HAMARTOMATOUS INTESTINAL; POLYPS-AND-SPOTS SYNDROME; Peutz-Jeghers polyposis; Periorificial lentiginosis syndrome. Identifiers: Orphanet 2869, MedGen C0031269, MeSH D010580, MONDO:0008280, OMIM 175200.

Submissions (2):

Labcorp Genetics (formerly Invitae), Labcorp
Classification: Pathogenic for Peutz-Jeghers syndrome. Last evaluated: 2025-10-13. Review status: criteria provided, single submitter. Criteria: Invitae Variant Classification Sherloc (09022015). Collection method: clinical testing. Allele origin: germline.
Comment: This sequence change creates a premature translational stop signal (p.Thr328Glnfs*31) in the STK11 gene. It is expected to result in an absent or disrupted protein product. Loss-of-function variants in STK11 are known to be pathogenic (PMID: 15188174, 16287113). This variant is not present in population databases (gnomAD no frequency). This variant has not been reported in the literature in individuals affected with STK11-related conditions. ClinVar contains an entry for this variant (Variation ID: 628221). For these reasons, this variant has been classified as Pathogenic.

Color Diagnostics, LLC DBA Color Health
Classification: Likely pathogenic for Hereditary cancer-predisposing syndrome. Last evaluated: 2021-04-08. Review status: criteria provided, single submitter. Criteria: ACMG Guidelines, 2015. Collection method: clinical testing. Allele origin: germline.
Comment: This variant deletes 2 nucleotides in exon 8 of the STK11 gene, creating a frameshift and premature translation stop signal. This variant is expected to result in an absent or non-functional protein product. To our knowledge, this variant has not been reported in individuals affected with hereditary cancer in the literature. This variant has not been identified in the general population by the Genome Aggregation Database (gnomAD). Loss of STK11 function is a known mechanism of disease. Based on the available evidence, this variant is classified as Likely Pathogenic.

Literature cited by the submitters: PubMed 15188174 (cited by Labcorp Genetics (formerly Invitae), Labcorp); PubMed 16287113 (cited by Labcorp Genetics (formerly Invitae), Labcorp).

NM_000455.5(STK11):c.982_983del (p.Thr328fs)

Gene: STK11 (serine/threonine kinase 11; plus strand). Cytogenetic location: 19p13.3.
Variant type: Microsatellite.
Coding change: c.982_983del on transcript NM_000455.5 (MANE Select); coding-DNA positions 982 to 983, 2 bases deleted (AC; older notation c.982_983delAC).
Protein change: p.Thr328fs; shifts the reading frame from threonine 328.
Molecular consequence: frameshift variant.
Genome position (GRCh38, 1-based): chr19:1,223,046-1,223,047, AC deleted; deleting any 2 consecutive bases within chr19:1,223,044-1,223,047 gives the same sequence; the c. name uses the placement nearest the transcript's 3' end. VCF-style (leftmost placement, unchanged base first): chr19-1223043-GAC-G. GRCh37 (hg19) VCF-style: chr19-1223042-GAC-G.
Other names: c.982_983del (NM_000455.4); short protein forms T328fs.
Identifiers: ClinVar variation 628221 (VCV000628221.5), dbSNP rs1599929369, ClinGen allele CA913188991.
Genomic context (GRCh38, chr19:1,223,043, plus strand): 5'-AGCTGGTTCCGGAAGAAACATCCTCCGGCTGAAGCACCAGTGCCCATCCCACCGAGCCCA[GAC>G]ACCAAGGACCGGTGGCGCAGCATGACTGTGGTGCCGTACTTGGAGGACCTGCACGGCGCG-3'